The following is an entry in ClinVar:

NM_004036.5(ADCY3):c.1914C>T (p.Cys638=)

Gene: ADCY3 (adenylate cyclase 3; minus strand). Cytogenetic location: 2p23.3.
Variant type: single nucleotide variant.
Coding change: c.1914C>T on transcript NM_004036.5 (MANE Select); coding-DNA position 1914, C replaced by T.
Protein change: p.Cys638=; no amino-acid change (cysteine 638 retained).
Molecular consequence: synonymous variant.
Genome position (GRCh38, 1-based): chr2:24,834,538, G>A on the plus strand (C>T on the coding strand, the complement: ADCY3 is on the minus strand). VCF-style: chr2-24834538-G-A. GRCh37 (hg19) VCF-style: chr2-25057407-G-A.
Other names: c.1914C>T, p.Cys638= (NM_001320613.2, NM_001377129.1, NM_001377130.1 and 1 more transcripts); c.1980C>T, p.Cys660= (NM_001377128.1); c.1191C>T, p.Cys397= (NM_001377131.1).
Identifiers: ClinVar variation 4984968 (VCV004984968.1).

ClinVar aggregate classification (germline): Likely benign (1 of 4 stars; one submission).

Conditions:
ADCY3-related disorder. Also called: ADCY3-related condition.

gnomAD v4.1: 9 of 1,613,804 alleles (0.00056%); highest among the groups gnomAD compares: African/African-American, 0.0013%; no homozygotes.

Submission:

PreventionGenetics, part of Exact Sciences
Classification: Likely benign for ADCY3-related condition. Last evaluated: 2025-02-19. Review status: criteria provided, single submitter. Criteria: ACMG Guidelines, 2015. Collection method: clinical testing. Allele origin: germline.
Comment: This variant is classified as likely benign based on ACMG/AMP sequence variant interpretation guidelines (Richards et al. 2015 PMID: 25741868, with internal and published modifications).